The following is an entry in ClinVar:

NM_000021.4(PSEN1):c.955A>T (p.Ser319Cys)

Gene: PSEN1 (presenilin 1; plus strand). Cytogenetic location: 14q24.2.
Variant type: single nucleotide variant.
Coding change: c.955A>T on transcript NM_000021.4 (MANE Select); coding-DNA position 955, A replaced by T.
Protein change: p.Ser319Cys; replaces serine 319 with cysteine.
Molecular consequence: missense variant.
Genome position (GRCh38, 1-based): chr14:73,206,472, A>T. VCF-style: chr14-73206472-A-T. GRCh37 (hg19) VCF-style: chr14-73673180-A-T.
Other names: c.943A>T, p.Ser315Cys (NM_007318.3); short protein forms S315C, S319C.
Identifiers: ClinVar variation 1438231 (VCV001438231.8), dbSNP rs2140125296, ClinGen allele CA390305083.

ClinVar aggregate classification (germline): Uncertain significance (1 of 4 stars; one submission).

Conditions:
Pick disease. Also called: DEMENTIA WITH LOBAR ATROPHY AND NEURONAL CYTOPLASMIC INCLUSIONS; LOBAR ATROPHY OF BRAIN; PICK DISEASE OF BRAIN; Pick Disease of the Brain; Pick's disease. Identifiers: Orphanet 282, MedGen C0236642, MONDO:0008243, OMIM 172700.
Acne inversa, familial, 3 (ACNINV3). Identifiers: MedGen C3151038, MONDO:0013398, OMIM 613737.
Frontotemporal dementia (FTD1). Also called: Dementia, frontotemporal, with or without parkinsonism; Frontotemporal Dementia with Parkinsonism-17 (FTDP-17); FRONTOTEMPORAL DEMENTIA WITH PARKINSONISM; FRONTOTEMPORAL LOBE DEMENTIA; FRONTOTEMPORAL LOBAR DEGENERATION WITH TAU INCLUSIONS; FTLD WITH TAU INCLUSIONS. Identifiers: Orphanet 282, MedGen C0338451, MONDO:0017276, OMIM 600274, HP:0002145.
Alzheimer disease 3 (AD3). Also called: ALZHEIMER DISEASE, FAMILIAL, 3. Identifiers: Orphanet 1020, MedGen C1843013, MONDO:0011913, OMIM 607822.

gnomAD v4.1: 1 of 1,606,610 alleles (0.000062%); highest among the groups gnomAD compares: Admixed American, 0.0017%; no homozygotes.

Submission:

Labcorp Genetics (formerly Invitae), Labcorp
Classification: Uncertain significance for Alzheimer disease 3; Pick disease; Acne inversa, familial, 3; Frontotemporal dementia. Last evaluated: 2022-06-20. Review status: criteria provided, single submitter. Criteria: Invitae Variant Classification Sherloc (09022015). Collection method: clinical testing. Allele origin: germline.
Comment: In summary, the available evidence is currently insufficient to determine the role of this variant in disease. Therefore, it has been classified as a Variant of Uncertain Significance. Algorithms developed to predict the effect of sequence changes on RNA splicing suggest that this variant may disrupt the consensus splice site. Algorithms developed to predict the effect of missense changes on protein structure and function are either unavailable or do not agree on the potential impact of this missense change (SIFT: "Deleterious"; PolyPhen-2: "Benign"; Align-GVGD: "Class C15"). This variant has not been reported in the literature in individuals affected with PSEN1-related conditions. This variant is not present in population databases (gnomAD no frequency). This sequence change replaces serine, which is neutral and polar, with cysteine, which is neutral and slightly polar, at codon 319 of the PSEN1 protein (p.Ser319Cys).